The following is an entry in ClinVar:

NM_001165963.4(SCN1A):c.269T>C (p.Phe90Ser)

Gene: SCN1A (sodium voltage-gated channel alpha subunit 1; minus strand). Cytogenetic location: 2q24.3.
Variant type: single nucleotide variant.
Coding change: c.269T>C on transcript NM_001165963.4 (MANE Select); coding-DNA position 269, T replaced by C.
Protein change: p.Phe90Ser; replaces phenylalanine 90 with serine.
Molecular consequence: missense variant. On other transcripts: 5 prime UTR variant (1), non-coding transcript variant (1).
Genome position (GRCh38, 1-based): chr2:166,058,684, A>G on the plus strand (T>C on the coding strand, the complement: SCN1A is on the minus strand). VCF-style: chr2-166058684-A-G. GRCh37 (hg19) VCF-style: chr2-166915194-A-G.
Other names: c.269T>C, p.Phe90Ser (NM_001165964.3, NM_001202435.3, NM_001353948.2 and 10 more transcripts); c.-2157T>C (NM_001353961.2); short protein forms F90S.
Identifiers: ClinVar variation 68596 (VCV000068596.7), dbSNP rs121918733, ClinGen allele CA285078.

ClinVar aggregate classification (germline): Pathogenic/Likely pathogenic. Review status: criteria provided, multiple submitters, no conflicts (2 of 4 stars). 4 submissions from 4 submitters: Pathogenic (2); Likely pathogenic (1). 1 of the submissions does not count toward it. Last evaluated 2025-02-06.

Conditions:
Early-infantile DEE. Also called: Early infantile epileptic encephalopathy; Early infantile epileptic encephalopathy with suppression bursts; Ohtahara syndrome. Identifiers: Orphanet 1934, MedGen C0393706, MONDO:0800491.
Severe myoclonic epilepsy in infancy (DRVT). Also called: SEVERE MYOCLONIC EPILEPSY OF INFANCY; DEVELOPMENTAL AND EPILEPTIC ENCEPHALOPATHY 6A; Severe Myoclonic Epilepsy in Infancy (SMEI); Dravet syndrome; Epileptic encephalopathy, early infantile, 6 (Dravet syndrome). Identifiers: Orphanet 33069, MedGen C0751122, MONDO:0100135, OMIM 607208.

Submissions (4):

Labcorp Genetics (formerly Invitae), Labcorp
Classification: Pathogenic for Early-infantile DEE. Last evaluated: 2025-02-06. Review status: criteria provided, single submitter. Criteria: Invitae Variant Classification Sherloc (09022015). Collection method: clinical testing. Allele origin: germline.
Comment: This sequence change replaces phenylalanine, which is neutral and non-polar, with serine, which is neutral and polar, at codon 90 of the SCN1A protein (p.Phe90Ser). This variant is not present in population databases (gnomAD no frequency). This missense change has been observed in individual(s) with autosomal dominant SCN1-related conditions (PMID: 18554359, 23195492, 26096185, 29056246). In at least one individual the variant was observed to be de novo. ClinVar contains an entry for this variant (Variation ID: 68596). Invitae Evidence Modeling of protein sequence and biophysical properties (such as structural, functional, and spatial information, amino acid conservation, physicochemical variation, residue mobility, and thermodynamic stability) indicates that this missense variant is expected to disrupt SCN1A protein function with a positive predictive value of 95%. For these reasons, this variant has been classified as Pathogenic.

Eurofins Ntd Llc (ga)
Classification: Likely pathogenic. Last evaluated: 2015-07-15. Review status: criteria provided, single submitter. Criteria: EGL Classification Definitions 2015. Collection method: clinical testing. Allele origin: germline. Observed: 1 variant allele, 1 heterozygote.

Center for Bioinformatics, Peking University
Classification: Pathogenic for Dravet syndrome. Last evaluated: 2014-12-20. Review status: criteria provided, single submitter. Criteria: Xu et al. (Hum Mutat. 2015). Collection method: research. Allele origin: paternal. Affected: yes. Observed: 3 variant alleles. Study: University Clinical Cooperation “985 Project” PKU-2014-1-1.
Comment: Dravet syndrome (DS) probands were recruited from the outpatient and inpatient child neurology units of Peking University First Hospital from 2005 till present. The study was approved by the Ethics Committee of Peking University First Hospital and the Institutional Review Board at Peking University. Participants or their parents provided written informed consent before enrollment. We collected a total of 267 mutations from 255 families with probands diagnosed with DS in China. All probands fulfilled the clinical diagnostic criteria.

UniProtKB/Swiss-Prot
No classification provided. Condition: Severe myoclonic epilepsy in infancy. Review status: no classification provided. Collection method: not provided. Allele origin: germline. Not counted in ClinVar's aggregate classification.

Literature cited by the submitters: PubMed 18554359 (cited by Labcorp Genetics (formerly Invitae), Labcorp and Eurofins Ntd Llc (ga)); PubMed 23195492 (cited by Labcorp Genetics (formerly Invitae), Labcorp and Eurofins Ntd Llc (ga)); PubMed 26096185 (cited by Labcorp Genetics (formerly Invitae), Labcorp and Eurofins Ntd Llc (ga)); PubMed 29056246 (cited by Labcorp Genetics (formerly Invitae), Labcorp); PubMed 20431604 (cited by Eurofins Ntd Llc (ga)).